The following is an entry in ClinVar:

ClinVar aggregate classification (germline): Uncertain significance (1 of 4 stars; one submission).

Conditions:
Cardiovascular phenotype. Identifiers: MedGen CN230736.

gnomAD v4.1: 2 of 1,601,572 alleles (0.00012%); highest among the groups gnomAD compares: Admixed American, 0.0017%; no homozygotes.

Submission:

Ambry Genetics
Classification: Uncertain significance for Cardiovascular phenotype. Last evaluated: 2026-07-07. Review status: criteria provided, single submitter. Criteria: Ambry Variant Classification Scheme 2023. Collection method: clinical testing. Allele origin: germline.
Comment: The p.H844Y variant (also known as c.2530C>T), located in coding exon 9 of the KCNH2 gene, results from a C to T substitution at nucleotide position 2530. The histidine at codon 844 is replaced by tyrosine, an amino acid with similar properties. This amino acid position is conserved. In addition, this alteration is predicted to be tolerated by in silico analysis. Based on the available evidence, the clinical significance of this variant remains unclear.

NM_000238.4(KCNH2):c.2398+132C>T

Gene: KCNH2 (potassium voltage-gated channel subfamily H member 2; minus strand). Cytogenetic location: 7q36.1.
Variant type: single nucleotide variant.
Coding change: c.2398+132C>T on transcript NM_000238.4 (MANE Select); 132 bases into the intron after coding-DNA position 2398, C replaced by T.
Molecular consequence: intron variant. On other transcripts: missense variant (5).
Genome position (GRCh38, 1-based): chr7:150,950,036, G>A on the plus strand (C>T on the coding strand, the complement: KCNH2 is on the minus strand). VCF-style: chr7-150950036-G-A. GRCh37 (hg19) VCF-style: chr7-150647124-G-A.
Other names: c.1510C>T, p.His504Tyr (NM_001204798.2); c.2353C>T, p.His785Tyr (NM_001406755.1); c.2242C>T, p.His748Tyr (NM_001406756.1); c.2230C>T, p.His744Tyr (NM_001406757.1); c.2530C>T, p.His844Tyr (NM_172056.3); c.2110+132C>T (NM_001406753.1); c.1378+132C>T (NM_172057.3); short protein forms H748Y, H504Y, H744Y, H785Y, H844Y.
Identifiers: ClinVar variation 5022980 (VCV005022980.1).